The following is an entry in ClinVar:

NM_004960.4(FUS):c.1394-6T>C

Gene: FUS (FUS RNA binding protein; plus strand). Cytogenetic location: 16p11.2.
Variant type: single nucleotide variant.
Coding change: c.1394-6T>C on transcript NM_004960.4 (MANE Select); 6 bases into the intron before coding-DNA position 1394, T replaced by C.
Molecular consequence: intron variant.
Genome position (GRCh38, 1-based): chr16:31,190,957, T>C. VCF-style: chr16-31190957-T-C. GRCh37 (hg19) VCF-style: chr16-31202278-T-C.
Other names: c.1382-6T>C (NM_001170937.1); c.1391-6T>C (NM_001170634.1).
Identifiers: ClinVar variation 3054221 (VCV003054221.2), dbSNP rs2544278781, ClinGen allele CA2632840020.

ClinVar aggregate classification (germline): Likely benign (0 of 4 stars; one submission).

Conditions:
FUS-related disorder. Also called: FUS-related condition.

gnomAD v4.1: 1 of 1,612,174 alleles (0.000062%); no homozygotes.

Submission:

PreventionGenetics, part of Exact Sciences
Classification: Likely benign for FUS-related condition. Last evaluated: 2022-10-17. Review status: no assertion criteria provided. Collection method: clinical testing. Allele origin: germline.
Comment: This variant is classified as likely benign based on ACMG/AMP sequence variant interpretation guidelines (Richards et al. 2015 PMID: 25741868, with internal and published modifications).